The following is an entry in ClinVar:

ClinVar aggregate classification (germline): Uncertain significance (1 of 4 stars; one submission).

Submission:

GeneDx
Classification: Uncertain significance. Last evaluated: 2023-04-19. Review status: criteria provided, single submitter. Criteria: GeneDx Variant Classification Process June 2021. Collection method: clinical testing. Allele origin: germline. Affected: yes.
Comment: In silico analysis supports that this missense variant does not alter protein structure/function; Has not been previously published as pathogenic or benign to our knowledge

NM_001256317.3(TMPRSS3):c.541G>T (p.Val181Leu)

Gene: TMPRSS3 (transmembrane serine protease 3; minus strand). Cytogenetic location: 21q22.3.
Variant type: single nucleotide variant.
Coding change: c.541G>T on transcript NM_001256317.3 (MANE Select); coding-DNA position 541, G replaced by T.
Protein change: p.Val181Leu; replaces valine 181 with leucine.
Molecular consequence: missense variant.
Genome position (GRCh38, 1-based): chr21:42,385,440, C>A on the plus strand (G>T on the coding strand, the complement: TMPRSS3 is on the minus strand). VCF-style: chr21-42385440-C-A. GRCh37 (hg19) VCF-style: chr21-43805549-C-A.
Other names: c.541G>T, p.Val181Leu (NM_024022.4, NM_032405.2); c.160G>T, p.Val54Leu (NM_032404.3); short protein forms V181L, V54L.
Identifiers: ClinVar variation 2663677 (VCV002663677.1), dbSNP rs148313943, ClinGen allele CA10042596.